The following is an entry in ClinVar:

ClinVar aggregate classification (germline): Uncertain significance (1 of 4 stars; one submission).

Conditions:
Distichiasis-lymphedema syndrome. Also called: LYMPHEDEMA WITH DISTICHIASIS. Identifiers: Orphanet 33001, MedGen C0265345, MONDO:0007922, OMIM 153400.

Submission:

Baylor Genetics
Classification: Uncertain significance for Distichiasis-lymphedema syndrome. Last evaluated: 2019-10-07. Review status: criteria provided, single submitter. Criteria: ACMG Guidelines, 2015. Collection method: clinical testing. Allele origin: unknown. Affected: yes.
Comment: This variant was determined to be of uncertain significance according to ACMG Guidelines, 2015 [PMID:25741868].

NM_005251.3(FOXC2):c.782C>A (p.Ala261Asp)

Gene: FOXC2 (forkhead box C2; plus strand). Cytogenetic location: 16q24.1.
Variant type: single nucleotide variant.
Coding change: c.782C>A on transcript NM_005251.3 (MANE Select); coding-DNA position 782, C replaced by A.
Protein change: p.Ala261Asp; replaces alanine 261 with aspartic acid.
Molecular consequence: missense variant.
Genome position (GRCh38, 1-based): chr16:86,568,117, C>A. VCF-style: chr16-86568117-C-A. GRCh37 (hg19) VCF-style: chr16-86601723-C-A.
Other names: short protein forms A261D.
Identifiers: ClinVar variation 1030897 (VCV001030897.1), dbSNP rs1974225710, ClinGen allele CA397008462.